The following is an entry in ClinVar:

ClinVar aggregate classification (germline): Likely benign. Review status: criteria provided, multiple submitters, no conflicts (2 of 4 stars). 3 submissions from 3 submitters: Likely benign (3). Last evaluated 2026-04-01.

Conditions:
Type 2 diabetes mellitus. Also called: Type II diabetes mellitus. Identifiers: MedGen C0011860, MeSH D003924, MONDO:0005148, OMIM 125853, HP:0005978.
Hypoinsulinemic hypoglycemia and body hemihypertrophy. Also called: Hypoinsulinemic hypoglycemia and hemihypertrophy. Identifiers: Orphanet 293964, MedGen C3278384, MONDO:0009416, OMIM 240900.

Allele frequency attached by ClinVar (database versions not stated): ExAC 0.00010; gnomAD exomes 0.00030; gnomAD 0.00063 and 0.00064; TOPMed 0.00064; 1000 Genomes Project 0.00100; 1000 Genomes Project 30x 0.00109.
gnomAD v4.1: 203 of 1,609,980 alleles (0.013%); highest among the groups gnomAD compares: Admixed American, 0.33%; 2 homozygotes.

Submissions (3):

CeGaT Center for Human Genetics Tuebingen
Classification: Likely benign. Last evaluated: 2026-04-01. Review status: criteria provided, single submitter. Criteria: CeGaT Center For Human Genetics Tuebingen Variant Classification Criteria Version 2. Collection method: clinical testing. Allele origin: germline. Affected: yes. Observed: 1 variant allele.
Comment: AKT2: BP4

Labcorp Genetics (formerly Invitae), Labcorp
Classification: Likely benign for Hypoinsulinemic hypoglycemia and body hemihypertrophy; Type 2 diabetes mellitus. Last evaluated: 2025-11-04. Review status: criteria provided, single submitter. Criteria: Invitae Variant Classification Sherloc (09022015). Collection method: clinical testing. Allele origin: germline.

Genetic Services Laboratory, University of Chicago
Classification: Likely benign. Last evaluated: 2020-02-24. Review status: criteria provided, single submitter. Criteria: ACMG Guidelines, 2015. Collection method: clinical testing. Allele origin: germline. Affected: no.

NM_001626.6(AKT2):c.1367-7C>T

Gene: AKT2 (AKT serine/threonine kinase 2; minus strand). Cytogenetic location: 19q13.2.
Variant type: single nucleotide variant.
Coding change: c.1367-7C>T on transcript NM_001626.6 (MANE Select); 7 bases into the intron before coding-DNA position 1367, C replaced by T.
Molecular consequence: intron variant.
Genome position (GRCh38, 1-based): chr19:40,233,958, G>A on the plus strand (C>T on the coding strand, the complement: AKT2 is on the minus strand). VCF-style: chr19-40233958-G-A. GRCh37 (hg19) VCF-style: chr19-40739865-G-A.
Other names: c.1181-7C>T (NM_001243028.3, NM_001243027.3); c.1238-7C>T (NM_001330511.1).
Identifiers: ClinVar variation 707136 (VCV000707136.16), dbSNP rs191069336, ClinGen allele CA9441425.